The following is an entry in ClinVar:

ClinVar aggregate classification (germline): Uncertain significance (1 of 4 stars; one submission).

Allele frequency attached by ClinVar (database versions not stated): gnomAD exomes below 0.00001; gnomAD 0.00005; TOPMed 0.00007; ExAC 0.00016.
gnomAD v4.1: 14 of 1,490,264 alleles (0.00094%); highest among the groups gnomAD compares: African/African-American, 0.017%; no homozygotes.

Submission:

Labcorp Genetics (formerly Invitae), Labcorp
Classification: Uncertain significance. Last evaluated: 2022-01-17. Review status: criteria provided, single submitter. Criteria: Invitae Variant Classification Sherloc (09022015). Collection method: clinical testing. Allele origin: germline.
Comment: This sequence change replaces glutamic acid, which is acidic and polar, with valine, which is neutral and non-polar, at codon 1524 of the MYO7A protein (p.Glu1524Val). This variant is present in population databases (rs749780757, gnomAD 0.03%). This variant has not been reported in the literature in individuals affected with MYO7A-related conditions. Algorithms developed to predict the effect of missense changes on protein structure and function (SIFT, PolyPhen-2, Align-GVGD) all suggest that this variant is likely to be tolerated. Algorithms developed to predict the effect of sequence changes on RNA splicing suggest that this variant may create or strengthen a splice site. In summary, the available evidence is currently insufficient to determine the role of this variant in disease. Therefore, it has been classified as a Variant of Uncertain Significance.

NM_000260.4(MYO7A):c.4571A>T (p.Glu1524Val)

Gene: MYO7A (myosin VIIA; plus strand). Cytogenetic location: 11q13.5.
Variant type: single nucleotide variant.
Coding change: c.4571A>T on transcript NM_000260.4 (MANE Select); coding-DNA position 4571, A replaced by T.
Protein change: p.Glu1524Val; replaces glutamic acid 1524 with valine.
Molecular consequence: missense variant. On other transcripts: intron variant (2).
Genome position (GRCh38, 1-based): chr11:77,199,537, A>T. VCF-style: chr11-77199537-A-T. GRCh37 (hg19) VCF-style: chr11-76910582-A-T.
Other names: c.4536-112A>T (NM_001369365.1); c.4569-112A>T (NM_001127180.2); short protein forms E1524V.
Identifiers: ClinVar variation 2156530 (VCV002156530.1), dbSNP rs749780757, ClinGen allele CA6198500.
Genomic context (GRCh38, chr11:77,199,537, plus strand): 5'-GGCCACGTCTCCCACTGGTTGGGGCATGACTGACTCAACTGGCCTTGATCTCCTTCAGGG[A>T]GTGCCGTGTCTGGCTCTCACTGGGCTGCTCTGATCTTGGCTGTGCTGCGCCTCACTCAGG-3'
Protein context (NP_000251.3, residues 1514-1534): PEIMAVSSSR[Glu1524Val]CRVWLSLGCS